The following is an entry in ClinVar:

ClinVar aggregate classification (germline): Likely benign. Review status: criteria provided, single submitter (1 of 4 stars). 2 submissions from 2 submitters: Likely benign (1). 1 of the submissions does not count toward it. Last evaluated 2025-12-22.

Conditions:
COL9A3-related disorder. Also called: COL9A3-related condition.

Allele frequency attached by ClinVar (database versions not stated): gnomAD exomes 0.00001.

Submissions (2):

Labcorp Genetics (formerly Invitae), Labcorp
Classification: Likely benign. Last evaluated: 2025-12-22. Review status: criteria provided, single submitter. Criteria: Invitae Variant Classification Sherloc (09022015). Collection method: clinical testing. Allele origin: germline.

PreventionGenetics, part of Exact Sciences
Classification: Likely benign for COL9A3-related condition. Last evaluated: 2020-11-25. Review status: no assertion criteria provided. Collection method: clinical testing. Allele origin: germline. Not counted in ClinVar's aggregate classification.
Comment: This variant is classified as likely benign based on ACMG/AMP sequence variant interpretation guidelines (Richards et al. 2015 PMID: 25741868, with internal and published modifications).

NM_001853.4(COL9A3):c.259C>T (p.Leu87=)

Gene: COL9A3 (collagen type IX alpha 3 chain; plus strand). Cytogenetic location: 20q13.33.
Variant type: single nucleotide variant.
Coding change: c.259C>T on transcript NM_001853.4 (MANE Select); coding-DNA position 259, C replaced by T.
Protein change: p.Leu87=; no amino-acid change (leucine 87 retained).
Molecular consequence: synonymous variant.
Genome position (GRCh38, 1-based): chr20:62,819,932, C>T. VCF-style: chr20-62819932-C-T. GRCh37 (hg19) VCF-style: chr20-61451284-C-T.
Other names: c.259C>T (NM_001853.3).
Identifiers: ClinVar variation 3012821 (VCV003012821.5), dbSNP rs2516024703, ClinGen allele CA511165158.
Genomic context (GRCh38, chr20:62,819,932, plus strand): 5'-GGGGGTGGCATGTGCTTCCCATGTGGCCCCTCGAGCTCGCCCTCTGCCTCTCCCCAGGGT[C>T]TGACTGGACGAGATGGACCCCCTGGACCCAAGGGTGCCCCTGGGGAACGGGTAAGTGCCT-3'
Protein context (NP_001844.3, residues 77-97): GLPGLPGVDG[Leu87=]TGRDGPPGPK